The following is an entry in ClinVar:

NM_024312.5(GNPTAB):c.2099T>C (p.Ile700Thr)

Gene: GNPTAB (N-acetylglucosamine-1-phosphate transferase subunits alpha and beta; minus strand). Cytogenetic location: 12q23.2.
Variant type: single nucleotide variant.
Coding change: c.2099T>C on transcript NM_024312.5 (MANE Select); coding-DNA position 2099, T replaced by C.
Protein change: p.Ile700Thr; replaces isoleucine 700 with threonine.
Molecular consequence: missense variant.
Genome position (GRCh38, 1-based): chr12:101,764,818, A>G on the plus strand (T>C on the coding strand, the complement: GNPTAB is on the minus strand). VCF-style: chr12-101764818-A-G. GRCh37 (hg19) VCF-style: chr12-102158596-A-G.
Other names: short protein forms I700T.
Identifiers: ClinVar variation 972206 (VCV000972206.10), dbSNP rs756585780, ClinGen allele CA6746476.
Genomic context (GRCh38, chr12:101,764,818, plus strand): 5'-TGTTCCAGTTGCAAATCCAAGGTATTGAGACTCAACTGGGCGTCTTTTGGAAGGAGTGAA[A>G]TATTTACCAGGGGAATTTTCACCTCTTCCTGGGCTCTCCTTGTTGAGTTAACATCATGTC-3'
Protein context (NP_077288.2, residues 690-710): QEEVKIPLVN[Ile700Thr]SLLPKDAQLS

ClinVar aggregate classification (germline): Uncertain significance (1 of 4 stars; one submission).

Conditions:
Mucolipidosis type II. Also called: Mucolipidosis 2; ML 2; Inclusion cell disease; Leroy Disease; N-acetylglucosamine 1phosphotransferase deficiency; ML disorder type 2. Identifiers: Orphanet 576, MedGen C2673377, MONDO:0009650, OMIM 252500.
Pseudo-Hurler polydystrophy. Also called: ML IIIA; Mucolipidosis III Alpha/Beta; MUCOLIPIDOSIS IIIA; ML III; ML III ALPHA/BETA; Type III Mucolipidosis. Identifiers: Orphanet 423461, Orphanet 577, MedGen C0033788, MONDO:0018931, OMIM 252600.

Allele frequency attached by ClinVar (database versions not stated): ExAC 0.00001; gnomAD exomes below 0.00001.
gnomAD v4.1: 1 of 1,614,178 alleles (0.000062%); highest among the groups gnomAD compares: Admixed American, 0.0017%; no homozygotes.

Submission:

Labcorp Genetics (formerly Invitae), Labcorp
Classification: Uncertain significance for Pseudo-Hurler polydystrophy; Mucolipidosis type II. Last evaluated: 2025-03-17. Review status: criteria provided, single submitter. Criteria: Invitae Variant Classification Sherloc (09022015). Collection method: clinical testing. Allele origin: germline.
Comment: This sequence change replaces isoleucine, which is neutral and non-polar, with threonine, which is neutral and polar, at codon 700 of the GNPTAB protein (p.Ile700Thr). This variant is present in population databases (rs756585780, gnomAD 0.003%). This variant has not been reported in the literature in individuals affected with GNPTAB-related conditions. ClinVar contains an entry for this variant (Variation ID: 972206). Invitae Evidence Modeling of protein sequence and biophysical properties (such as structural, functional, and spatial information, amino acid conservation, physicochemical variation, residue mobility, and thermodynamic stability) indicates that this missense variant is not expected to disrupt GNPTAB protein function with a negative predictive value of 80%. In summary, the available evidence is currently insufficient to determine the role of this variant in disease. Therefore, it has been classified as a Variant of Uncertain Significance.